The following is an entry in ClinVar:

NM_006017.3(PROM1):c.2145G>T (p.Arg715Ser)

Gene: PROM1 (prominin 1; minus strand). Cytogenetic location: 4p15.32.
Variant type: single nucleotide variant.
Coding change: c.2145G>T on transcript NM_006017.3 (MANE Select); coding-DNA position 2145, G replaced by T.
Protein change: p.Arg715Ser; replaces arginine 715 with serine.
Molecular consequence: missense variant. On other transcripts: non-coding transcript variant (2).
Genome position (GRCh38, 1-based): chr4:15,986,023, C>A on the plus strand (G>T on the coding strand, the complement: PROM1 is on the minus strand). VCF-style: chr4-15986023-C-A. GRCh37 (hg19) VCF-style: chr4-15987646-C-A.
Other names: c.2145G>T, p.Arg715Ser (NM_001145850.2, NM_001145849.2); c.2118G>T, p.Arg706Ser (NM_001145851.2, NM_001145852.2, NM_001371406.1 and 5 more transcripts); c.2115G>T, p.Arg705Ser (NM_001441173.1); c.2034G>T, p.Arg678Ser (NM_001441174.1); c.2025G>T, p.Arg675Ser (NM_001441176.1); c.2013G>T, p.Arg671Ser (NM_001441177.1); c.1953G>T, p.Arg651Ser (NM_001441178.1); c.1779G>T, p.Arg593Ser (NM_001441179.1); short protein forms R593S, R675S, R671S, R715S, R678S, R651S, R705S, R706S.
Identifiers: ClinVar variation 4835120 (VCV004835120.1).

ClinVar aggregate classification (germline): Uncertain significance (1 of 4 stars; one submission).

Conditions:
Inborn genetic diseases. Identifiers: MedGen C0950123, MeSH D030342.

gnomAD v4.1: 1 of 1,572,428 alleles (0.000064%); highest among the groups gnomAD compares: Non-Finnish European, 0.000087%; no homozygotes.

Submission:

Ambry Genetics
Classification: Uncertain significance for Inborn genetic diseases. Last evaluated: 2025-12-15. Review status: criteria provided, single submitter. Criteria: Ambry Variant Classification Scheme 2023. Collection method: clinical testing. Allele origin: germline.
Comment: The c.2145G>T (p.R715S) alteration is located in exon 20 (coding exon 20) of the PROM1 gene. This alteration results from a G to T substitution at nucleotide position 2145, causing the arginine (R) at amino acid position 715 to be replaced by a serine (S). Based on data from gnomAD, the T allele has an overall frequency of <0.001% (0/212188) total alleles studied. The highest observed frequency was <0.001% (/) of alleles. Based on insufficient or conflicting evidence, the clinical significance of this alteration remains unclear.